The following is an entry in ClinVar:

ClinVar aggregate classification (germline): Uncertain significance. Review status: criteria provided, multiple submitters, no conflicts (2 of 4 stars). 2 submissions from 2 submitters: Uncertain significance (2). Last evaluated 2026-03-08.

Conditions:
Hypertrophic cardiomyopathy. Also called: HYPERTROPHIC MYOCARDIOPATHY. Identifiers: Orphanet 217569, MedGen C0007194, MeSH D002312, MONDO:0005045, HP:0001639.

Submissions (2):

GeneDx
Classification: Uncertain significance. Last evaluated: 2026-03-08. Review status: criteria provided, single submitter. Criteria: GeneDx Variant Classification Process June 2021. Collection method: clinical testing. Allele origin: germline.
Comment: Not observed at significant frequency in large population cohorts (gnomAD); In silico analysis supports that this missense variant has a deleterious effect on protein structure/function; Has not been previously published as pathogenic or benign to our knowledge; This variant is associated with the following publications: (PMID: 27532257, 29300372)

Labcorp Genetics (formerly Invitae), Labcorp
Classification: Uncertain significance for Hypertrophic cardiomyopathy. Last evaluated: 2022-09-29. Review status: criteria provided, single submitter. Criteria: Invitae Variant Classification Sherloc (09022015). Collection method: clinical testing. Allele origin: germline.
Comment: In summary, the available evidence is currently insufficient to determine the role of this variant in disease. Therefore, it has been classified as a Variant of Uncertain Significance. This variant is found within a region of MYH7 between codons 181 and 937 that contains the majority of the myosin head domain. Missense variants in this region have been shown to be significantly overrepresented in individuals with hypertrophic cardiomyopathy (PMID: 27532257). Advanced modeling of protein sequence and biophysical properties (such as structural, functional, and spatial information, amino acid conservation, physicochemical variation, residue mobility, and thermodynamic stability) performed at Invitae indicates that this missense variant is expected to disrupt MYH7 protein function. This variant has not been reported in the literature in individuals affected with MYH7-related conditions. This variant is not present in population databases (gnomAD no frequency). This sequence change replaces aspartic acid, which is acidic and polar, with valine, which is neutral and non-polar, at codon 325 of the MYH7 protein (p.Asp325Val).

Literature cited by the submitters: PubMed 27532257 (cited by Labcorp Genetics (formerly Invitae), Labcorp).

NM_000257.4(MYH7):c.974A>T (p.Asp325Val)

Gene: MYH7 (myosin heavy chain 7; minus strand). Cytogenetic location: 14q11.2.
Variant type: single nucleotide variant.
Coding change: c.974A>T on transcript NM_000257.4 (MANE Select); coding-DNA position 974, A replaced by T.
Protein change: p.Asp325Val; replaces aspartic acid 325 with valine.
Molecular consequence: missense variant.
Genome position (GRCh38, 1-based): chr14:23,430,585, T>A on the plus strand (A>T on the coding strand, the complement: MYH7 is on the minus strand). VCF-style: chr14-23430585-T-A. GRCh37 (hg19) VCF-style: chr14-23899794-T-A.
Other names: c.974A>T, p.Asp325Val (NM_001407004.1); short protein forms D325V.
Identifiers: ClinVar variation 2051535 (VCV002051535.5), dbSNP rs1566536390, ClinGen allele CA389051642.
Genomic context (GRCh38, chr14:23,430,585, plus strand): 5'-CCTCCCACCCCCTGGCTGGGTCCTCACACACTCACATCAGTGGCCATGAGCTCCTCAGCG[T>A]CATCAATGGAGGCCACGGTGGTCTCTCCTTGGGAGATGAATGCATAATCGTAGGGGTTGT-3'
Protein context (NP_000248.2, residues 315-335): QGETTVASID[Asp325Val]AEELMATDNA